The following is an entry in ClinVar:

ClinVar aggregate classification (germline): Benign. Review status: criteria provided, multiple submitters, no conflicts (2 of 4 stars). 3 submissions from 3 submitters: Benign (3). Last evaluated 2026-02-04.

Allele frequency attached by ClinVar (database versions not stated): 1000 Genomes Project 30x 0.57324; 1000 Genomes Project 0.57528; TOPMed 0.63802; ESP Exome Variant Server 0.65724.
gnomAD v4.1: 1,155,909 of 1,566,222 alleles (74%); highest among the groups gnomAD compares: Non-Finnish European, 78%; 433,201 homozygotes.

Submissions (5):

Labcorp Genetics (formerly Invitae), Labcorp
Classification: Benign. Last evaluated: 2026-02-04. Review status: criteria provided, single submitter. Criteria: Invitae Variant Classification Sherloc (09022015). Collection method: clinical testing. Allele origin: germline.

Women's Health and Genetics/Laboratory Corporation of America, LabCorp
Classification: Benign. Last evaluated: 2026-01-21. Review status: criteria provided, single submitter. Criteria: LabCorp Variant Classification Summary - May 2015. Collection method: clinical testing. Allele origin: germline.

Unidad de Genómica Garrahan, Hospital de Pediatría Garrahan
Classification: Benign. Last evaluated: 2024-01-24. Review status: criteria provided, single submitter. Criteria: ACMG Guidelines, 2015. Collection method: clinical testing. Allele origin: germline. Affected: no. Observed: 85 variant alleles.
Comment: This variant is classified as Benign based on local population frequency. This variant was detected in 89% of patients studied by a panel of primary immunodeficiencies. Number of patients: 85. Only high quality variants are reported.

Dr. Peter K. Rogan Lab, Western University
No classification provided (evidence only). Condition: Hepatocellular carcinoma. Review status: no classification provided. Collection method: in vitro. Allele origin: not applicable. Functional consequence: retained intron. Not counted in ClinVar's aggregate classification.

Dr. Peter K. Rogan Lab, Western University
No classification provided (evidence only). Condition: Germ cell tumor of testis. Review status: no classification provided. Collection method: in vitro. Allele origin: not applicable. Functional consequence: retained intron. Not counted in ClinVar's aggregate classification.

NM_133372.3(FNIP1):c.354+20T>G

Gene: FNIP1 (folliculin interacting protein 1; minus strand). Cytogenetic location: 5q31.1.
Variant type: single nucleotide variant.
Coding change: c.354+20T>G on transcript NM_133372.3 (MANE Select); 20 bases into the intron after coding-DNA position 354, T replaced by G.
Molecular consequence: intron variant.
Genome position (GRCh38, 1-based): chr5:131,730,884, A>C on the plus strand (T>G on the coding strand, the complement: FNIP1 is on the minus strand). VCF-style: chr5-131730884-A-C. GRCh37 (hg19) VCF-style: chr5-131066577-A-C.
Other names: c.220-11467T>G (NM_001346114.2); c.354+20T>G (NM_001008738.3, NM_001346113.2).
Identifiers: ClinVar variation 2413970 (VCV002413970.10), dbSNP rs7729787, ClinGen allele CA3400977.